The following is an entry in ClinVar:

ClinVar aggregate classification (germline): Uncertain significance (1 of 4 stars; one submission).

Submission:

GeneDx
Classification: Uncertain significance. Last evaluated: 2024-09-11. Review status: criteria provided, single submitter. Criteria: GeneDx Variant Classification Process June 2021. Collection method: clinical testing. Allele origin: germline. Affected: yes.
Comment: Not observed at significant frequency in large population cohorts (gnomAD); Frameshift variant predicted to result in protein truncation or nonsense mediated decay in a gene or region of a gene for which loss of function is not a well-established mechanism of disease; Has not been previously published as pathogenic or benign to our knowledge

NM_013245.3(VPS4A):c.1018del (p.Asp340fs)

Gene: VPS4A (vacuolar protein sorting 4 homolog A; plus strand). Cytogenetic location: 16q22.1.
Variant type: Deletion.
Coding change: c.1018del on transcript NM_013245.3 (MANE Select); coding-DNA position 1018, one base deleted (G; older notation c.1018delG).
Protein change: p.Asp340fs; shifts the reading frame from aspartic acid 340.
Molecular consequence: frameshift variant.
Genome position (GRCh38, 1-based): chr16:69,321,217, G deleted; the last of 3 consecutive G bases (chr16:69,321,215-69,321,217); deleting any one gives the same sequence. VCF-style (leftmost placement, unchanged base first): chr16-69321214-CG-C. GRCh37 (hg19) VCF-style: chr16-69355117-CG-C.
Other names: short protein forms D340fs.
Identifiers: ClinVar variation 3769961 (VCV003769961.1).